The following is an entry in ClinVar:

ClinVar aggregate classification (germline): Pathogenic (1 of 4 stars; one submission).

Conditions:
Lynch syndrome 5 (LYNCH5). Also called: Colorectal cancer, hereditary nonpolyposis, type 5; Hereditary non-polyposis colorectal cancer, type 5. Identifiers: Orphanet 144, MedGen C1833477, MONDO:0013710, OMIM 614350. Disease mechanism: loss of function.

Submission:

Myriad Genetics, Inc.
Classification: Pathogenic for Lynch syndrome 5. Last evaluated: 2023-08-16. Review status: criteria provided, single submitter. Criteria: Myriad Autosomal Dominant, Autosomal Recessive and X-Linked Classification Criteria (2023). Collection method: clinical testing. Allele origin: unknown.
Comment: This variant is considered pathogenic. This variant creates a frameshift predicted to result in premature protein truncation.

NM_000179.3(MSH6):c.2159del (p.Thr720fs)

Gene: MSH6 (mutS homolog 6; plus strand). Cytogenetic location: 2p16.3.
Variant type: Deletion.
Coding change: c.2159del on transcript NM_000179.3 (MANE Select); coding-DNA position 2159, one base deleted (C; older notation c.2159delC).
Protein change: p.Thr720fs; shifts the reading frame from threonine 720.
Molecular consequence: frameshift variant. On other transcripts: non-coding transcript variant (5), intron variant (2).
Genome position (GRCh38, 1-based): chr2:47,800,142, C deleted. VCF-style (leftmost placement, unchanged base first): chr2-47800141-AC-A. GRCh37 (hg19) VCF-style: chr2-48027280-AC-A.
Other names: c.1769del, p.Thr590fs (NM_001281492.2); c.1253del, p.Thr418fs (NM_001281493.2, NM_001281494.2, NM_001406811.1 and 6 more transcripts); c.2255del, p.Thr752fs (NM_001406795.1, NM_001406802.1); c.2159del, p.Thr720fs (NM_001406796.1, NM_001406798.1, NM_001406800.1 and 3 more transcripts); c.1862del, p.Thr621fs (NM_001406797.1, NM_001406801.1, NM_001406805.1 and 10 more transcripts); c.1634del, p.Thr545fs (NM_001406799.1, NM_001406806.1, NM_001406807.1); c.2081del, p.Thr694fs (NM_001406804.1); c.2165del, p.Thr722fs (NM_001406813.1); and 3 more; short protein forms T418fs, T545fs, T590fs, T621fs, T664fs, T694fs, T720fs, T722fs.
Identifiers: ClinVar variation 2673742 (VCV002673742.1), dbSNP rs2530654102, ClinGen allele CA2695200662.